The following is an entry in ClinVar:

ClinVar aggregate classification (germline): Uncertain significance (1 of 4 stars; one submission).

Conditions:
Tuberous sclerosis syndrome (TSC). Also called: Tuberous Sclerosis Complex; Tuberous sclerosis. Identifiers: Orphanet 805, MedGen C0041341, MONDO:0001734.

Submission:

Color Diagnostics, LLC DBA Color Health
Classification: Uncertain significance for Tuberous sclerosis syndrome. Last evaluated: 2025-08-14. Review status: criteria provided, single submitter. Criteria: ACMG Guidelines, 2015. Collection method: clinical testing. Allele origin: germline.
Comment: This missense variant replaces valine with phenylalanine at codon 217 of the TSC2 protein. Computational prediction suggests that this variant may not impact protein structure and function. To our knowledge, functional studies have not been reported for this variant. This variant has not been reported in individuals affected with TSC2-related disorders in the literature. This variant has not been identified in the general population by the Genome Aggregation Database (gnomAD). The available evidence is insufficient to determine the role of this variant in disease conclusively. Therefore, this variant is classified as a Variant of Uncertain Significance.

NM_000548.5(TSC2):c.649G>T (p.Val217Phe)

Gene: TSC2 (TSC complex subunit 2; plus strand). Cytogenetic location: 16p13.3.
Variant type: single nucleotide variant.
Coding change: c.649G>T on transcript NM_000548.5 (MANE Select); coding-DNA position 649, G replaced by T.
Protein change: p.Val217Phe; replaces valine 217 with phenylalanine.
Molecular consequence: missense variant. On other transcripts: intron variant (3), 5 prime UTR variant (9), non-coding transcript variant (5).
Genome position (GRCh38, 1-based): chr16:2,056,644, G>T. VCF-style: chr16-2056644-G-T. GRCh37 (hg19) VCF-style: chr16-2106645-G-T.
Other names: c.649G>T, p.Val217Phe (NM_001406665.1, NM_001077183.3, NM_001114382.3 and 6 more transcripts); c.739G>T, p.Val247Phe (NM_001406667.1, NM_001406668.1); c.538G>T, p.Val180Phe (NM_001406670.1, NM_001406678.1, NM_001318827.2); c.502G>T, p.Val168Phe (NM_001406675.1, NM_001406676.1, NM_001406679.1 and 1 more transcripts); c.592G>T, p.Val198Phe (NM_001406677.1); c.49G>T, p.Val17Phe (NM_001406680.1, NM_001318831.2, NM_001406682.1 and 6 more transcripts); c.-771-12G>T (NM_001406696.1); c.649-12G>T (NM_001406671.1, NM_001406673.1); and 5 more; short protein forms V168F, V17F, V180F, V198F, V217F, V228F, V247F, V63F.
Identifiers: ClinVar variation 4756286 (VCV004756286.1).